The following is an entry in ClinVar:

NM_004656.4(BAP1):c.320del (p.Asp107fs)

Gene: BAP1 (BRCA1 associated deubiquitinase 1; minus strand). Cytogenetic location: 3p21.1.
Variant type: Deletion.
Coding change: c.320del on transcript NM_004656.4 (MANE Select); coding-DNA position 320, one base deleted (A; older notation c.320delA).
Protein change: p.Asp107fs; shifts the reading frame from aspartic acid 107.
Molecular consequence: frameshift variant.
Genome position (GRCh38, 1-based): chr3:52,408,013, T deleted on the plus strand (A on the coding strand, the reverse complement: BAP1 is on the minus strand). VCF-style (leftmost placement, unchanged base first): chr3-52408012-GT-G. GRCh37 (hg19) VCF-style: chr3-52442028-GT-G.
Other names: short protein forms D107fs.
Identifiers: ClinVar variation 823198 (VCV000823198.4), dbSNP rs1578227520, ClinGen allele CA915942503.

ClinVar aggregate classification (germline): Pathogenic (1 of 4 stars; one submission).

Conditions:
Hereditary cancer-predisposing syndrome. Also called: Tumor predisposition; Hereditary Cancer Syndrome; Neoplastic Syndromes, Hereditary; Hereditary neoplastic syndrome. Identifiers: Orphanet 140162, MedGen C0027672, MeSH D009386, MONDO:0015356.

Submission:

Ambry Genetics
Classification: Pathogenic for Hereditary cancer-predisposing syndrome. Last evaluated: 2019-08-20. Review status: criteria provided, single submitter. Criteria: Ambry Variant Classification Scheme 2023. Collection method: clinical testing. Allele origin: germline.
Comment: The c.320delA pathogenic mutation, located in coding exon 5 of the BAP1 gene, results from a deletion of one nucleotide at nucleotide position 320, causing a translational frameshift with a predicted alternate stop codon (p.D107Afs*6). This alteration is expected to result in loss of function by premature protein truncation or nonsense-mediated mRNA decay. As such, this alteration is interpreted as a disease-causing mutation.